The following is an entry in ClinVar:

ClinVar aggregate classification (germline): Uncertain significance (1 of 4 stars; one submission).

Submission:

Labcorp Genetics (formerly Invitae), Labcorp
Classification: Uncertain significance. Last evaluated: 2025-09-07. Review status: criteria provided, single submitter. Criteria: Invitae Variant Classification Sherloc (09022015). Collection method: clinical testing. Allele origin: germline.
Comment: This sequence change replaces lysine, which is basic and polar, with glutamic acid, which is acidic and polar, at codon 211 of the GNAS protein (p.Lys211Glu). This variant is not present in population databases (gnomAD no frequency). This variant has not been reported in the literature in individuals affected with GNAS-related conditions. Invitae Evidence Modeling of protein sequence and biophysical properties (such as structural, functional, and spatial information, amino acid conservation, physicochemical variation, residue mobility, and thermodynamic stability) indicates that this missense variant is not expected to disrupt GNAS protein function with a negative predictive value of 80%. In summary, the available evidence is currently insufficient to determine the role of this variant in disease. Therefore, it has been classified as a Variant of Uncertain Significance.

NM_000516.7(GNAS):c.631A>G (p.Lys211Glu)

Gene: GNAS (GNAS complex locus; plus strand). Cytogenetic location: 20q13.32.
Variant type: single nucleotide variant.
Coding change: c.631A>G on transcript NM_000516.7 (MANE Select); coding-DNA position 631, A replaced by G.
Protein change: p.Lys211Glu; replaces lysine 211 with glutamic acid.
Molecular consequence: missense variant. On other transcripts: 3 prime UTR variant (2).
Genome position (GRCh38, 1-based): chr20:58,909,395, A>G. VCF-style: chr20-58909395-A-G. GRCh37 (hg19) VCF-style: chr20-57484450-A-G.
Other names: c.634A>G, p.Lys212Glu (NM_001077488.5); c.586A>G, p.Lys196Glu (NM_001077489.4); c.*492A>G (NM_001077490.3); c.454A>G, p.Lys152Glu (NM_001309840.2, NM_001309861.2, NM_001438276.1 and 1 more transcripts); c.535A>G, p.Lys179Glu (NM_001410912.1); c.2515A>G, p.Lys839Glu (NM_001410913.1); c.409A>G, p.Lys137Glu (NM_001438273.1, NM_001438274.1, NM_001438275.1); c.*537A>G (NM_016592.5); and 2 more; short protein forms K197E, K212E, K839E, K179E, K196E, K137E, K152E, K211E.
Identifiers: ClinVar variation 4774750 (VCV004774750.1).